The following is an entry in ClinVar:

NM_024334.3(TMEM43):c.513-20C>T

Gene: TMEM43 (transmembrane protein 43; plus strand). Cytogenetic location: 3p25.1.
Variant type: single nucleotide variant.
Coding change: c.513-20C>T on transcript NM_024334.3 (MANE Select); 20 bases into the intron before coding-DNA position 513, C replaced by T.
Molecular consequence: intron variant.
Genome position (GRCh38, 1-based): chr3:14,133,719, C>T. VCF-style: chr3-14133719-C-T. GRCh37 (hg19) VCF-style: chr3-14175219-C-T.
Identifiers: ClinVar variation 508866 (VCV000508866.6), dbSNP rs1054904116, ClinGen allele CA69730543.

ClinVar aggregate classification (germline): Likely benign. Review status: criteria provided, multiple submitters, no conflicts (2 of 4 stars). 3 submissions from 3 submitters: Likely benign (3). Last evaluated 2025-07-09.

Conditions:
Arrhythmogenic right ventricular dysplasia 5. Also called: Arrhythmogenic Right Ventricular Dysplasia/Cardiomyopathy 5; ARRHYTHMOGENIC RIGHT VENTRICULAR DYSPLASIA, FAMILIAL, 5. Identifiers: MedGen C1858379, MONDO:0011459, OMIM 604400.

Allele frequency attached by ClinVar (database versions not stated): gnomAD exomes below 0.00001.
gnomAD v4.1: 1 of 1,613,554 alleles (0.000062%); highest among the groups gnomAD compares: Non-Finnish European, 0.000085%; no homozygotes.

Submissions (3):

Labcorp Genetics (formerly Invitae), Labcorp
Classification: Likely benign for Arrhythmogenic right ventricular dysplasia 5. Last evaluated: 2025-07-09. Review status: criteria provided, single submitter. Criteria: Invitae Variant Classification Sherloc (09022015). Collection method: clinical testing. Allele origin: germline.

Women's Health and Genetics/Laboratory Corporation of America, LabCorp
Classification: Likely benign. Last evaluated: 2025-06-09. Review status: criteria provided, single submitter. Criteria: LabCorp Variant Classification Summary - May 2015. Collection method: clinical testing. Allele origin: germline.

GeneDx
Classification: Likely benign. Last evaluated: 2017-04-13. Review status: criteria provided, single submitter. Criteria: GeneDx Variant Classification (06012015). Collection method: clinical testing. Allele origin: germline. Affected: yes.
Comment: This variant is considered likely benign or benign based on one or more of the following criteria: it is a conservative change, it occurs at a poorly conserved position in the protein, it is predicted to be benign by multiple in silico algorithms, and/or has population frequency not consistent with disease.